The following is an entry in ClinVar:

NM_001048174.2(MUTYH):c.282C>A (p.Asp94Glu)

Gene: MUTYH (mutY DNA glycosylase; minus strand). Cytogenetic location: 1p34.1.
Variant type: single nucleotide variant.
Coding change: c.282C>A on transcript NM_001048174.2 (MANE Select); coding-DNA position 282, C replaced by A.
Protein change: p.Asp94Glu; replaces aspartic acid 94 with glutamic acid.
Molecular consequence: missense variant. On other transcripts: non-coding transcript variant (2).
Genome position (GRCh38, 1-based): chr1:45,333,307, G>T on the plus strand (C>A on the coding strand, the complement: MUTYH is on the minus strand). VCF-style: chr1-45333307-G-T. GRCh37 (hg19) VCF-style: chr1-45798979-G-T.
Other names: c.282C>A, p.Asp94Glu (NM_001048171.2, NM_001048173.2, NM_001293195.2); c.285C>A, p.Asp95Glu (NM_001048172.2); c.366C>A, p.Asp122Glu (NM_001128425.2); c.327C>A, p.Asp109Glu (NM_001293190.2); c.315C>A, p.Asp105Glu (NM_001293191.2); c.6C>A, p.Asp2Glu (NM_001293192.2, NM_001293196.2); c.11C>A, p.Thr4Asn (NM_001350650.2, NM_001350651.2); c.357C>A, p.Asp119Glu (NM_012222.3); short protein forms D105E, T4N, D94E, D109E, D119E, D122E, D2E, D95E.
Identifiers: ClinVar variation 824048 (VCV000824048.8), dbSNP rs876660505, ClinGen allele CA340136273.

ClinVar aggregate classification (germline): Uncertain significance. Review status: criteria provided, multiple submitters, no conflicts (2 of 4 stars). 2 submissions from 2 submitters: Uncertain significance (2). Last evaluated 2025-12-21.

Conditions:
Familial adenomatous polyposis 2. Also called: FAP type 2; MUTYH Polyposis; COLORECTAL ADENOMATOUS POLYPOSIS, AUTOSOMAL RECESSIVE; ADENOMAS, MULTIPLE COLORECTAL, AUTOSOMAL RECESSIVE; MUTYH-associated polyposis; MUTYH-related attenuated familial adenomatous polyposis. Identifiers: Orphanet 220460, Orphanet 247798, MedGen C3272841, MONDO:0012041, OMIM 608456.
Hereditary cancer-predisposing syndrome. Also called: Tumor predisposition; Hereditary Cancer Syndrome; Hereditary neoplastic syndrome; Neoplastic Syndromes, Hereditary. Identifiers: Orphanet 140162, MedGen C0027672, MeSH D009386, MONDO:0015356.

Allele frequency attached by ClinVar (database versions not stated): gnomAD 0.00003.
gnomAD v4.1: 2 of 1,614,102 alleles (0.00012%); highest among the groups gnomAD compares: African/African-American, 0.0027%; no homozygotes.

Submissions (2):

Ambry Genetics
Classification: Uncertain significance for Hereditary cancer-predisposing syndrome. Last evaluated: 2025-12-21. Review status: criteria provided, single submitter. Criteria: Ambry Variant Classification Scheme 2023. Collection method: clinical testing. Allele origin: germline.
Comment: The p.D122E variant (also known as c.366C>A), located in coding exon 4 of the MUTYH gene, results from a C to A substitution at nucleotide position 366. The aspartic acid at codon 122 is replaced by glutamic acid, an amino acid with highly similar properties. This amino acid position is not well conserved in available vertebrate species. In addition, this alteration is predicted to be tolerated by in silico analysis. Since supporting evidence is limited at this time, the clinical significance of this alteration remains unclear.

Labcorp Genetics (formerly Invitae), Labcorp
Classification: Uncertain significance for Familial adenomatous polyposis 2. Last evaluated: 2023-03-13. Review status: criteria provided, single submitter. Criteria: Invitae Variant Classification Sherloc (09022015). Collection method: clinical testing. Allele origin: germline.
Comment: In summary, the available evidence is currently insufficient to determine the role of this variant in disease. Therefore, it has been classified as a Variant of Uncertain Significance. This sequence change replaces aspartic acid, which is acidic and polar, with glutamic acid, which is acidic and polar, at codon 122 of the MUTYH protein (p.Asp122Glu). This variant is present in population databases (no rsID available, gnomAD 0.01%). This variant has not been reported in the literature in individuals affected with MUTYH-related conditions. ClinVar contains an entry for this variant (Variation ID: 824048). An algorithm developed to predict the effect of missense changes on protein structure and function (PolyPhen-2) suggests that this variant is likely to be disruptive.